The following is an entry in ClinVar:

ClinVar aggregate classification (germline): Likely benign (1 of 4 stars; one submission).

Submission:

CeGaT Center for Human Genetics Tuebingen
Classification: Likely benign. Last evaluated: 2025-07-01. Review status: criteria provided, single submitter. Criteria: CeGaT Center For Human Genetics Tuebingen Variant Classification Criteria Version 2. Collection method: clinical testing. Allele origin: germline. Affected: yes. Observed: 1 variant allele.
Comment: RNU4-2: BS1

NC_000012.12:g.120291910_120291911insC

Genes: RNU4-2 (RNA, U4 small nuclear 2; minus strand), SIRT4 (sirtuin 4; plus strand). Cytogenetic location: 12q24.23.
Variant type: Insertion.
Genome position: GRCh38 VCF-style: chr12-120291910-G-GC. GRCh37 (hg19) VCF-style: chr12-120729713-G-GC.
Identifiers: ClinVar variation 4085083 (VCV004085083.8).
Genomic context (GRCh38, chr12:120,291,910, plus strand): 5'-TAATCGCGCCTCGGATAAACCTCATTGGCTACGATACTGCCACTGCGCAAAGCTGGAAAG[G>GC]TTCTGTTCGCGCCCCGCTCCCCCACGGATGATGACTACCATTACATTGAGGGTGAGTGCC-3'